The following is an entry in ClinVar:

NM_000044.6(AR):c.2063C>T (p.Ala688Val)

Gene: AR (androgen receptor; plus strand). Cytogenetic location: Xq12.
Variant type: single nucleotide variant.
Coding change: c.2063C>T on transcript NM_000044.6 (MANE Select); coding-DNA position 2063, C replaced by T.
Protein change: p.Ala688Val; replaces alanine 688 with valine.
Molecular consequence: missense variant.
Genome position (GRCh38, 1-based): chrX:67,711,579, C>T. VCF-style: chrX-67711579-C-T. GRCh37 (hg19) VCF-style: chrX-66931421-C-T.
Other names: c.467C>T, p.Ala156Val (NM_001011645.3); short protein forms A156V, A688V.
Identifiers: ClinVar variation 3340612 (VCV003340612.3).

ClinVar aggregate classification (germline): Pathogenic/Likely pathogenic. Review status: criteria provided, multiple submitters, no conflicts (2 of 4 stars). 2 submissions from 2 submitters: Pathogenic (1); Likely pathogenic (1). Last evaluated 2024-08-30.

Conditions:
Kennedy disease (SMAX1). Also called: SPINAL AND BULBAR MUSCULAR ATROPHY, X-LINKED 1; KENNEDY SPINAL AND BULBAR MUSCULAR ATROPHY; Spinal and Bulbar Muscular Atrophy. Identifiers: Orphanet 481, MedGen C1839259, MONDO:0010735, OMIM 313200.
Androgen resistance syndrome (AIS). Also called: ANDROGEN RECEPTOR DEFICIENCY; DIHYDROTESTOSTERONE RECEPTOR DEFICIENCY; TESTICULAR FEMINIZATION SYNDROME; Androgen insensitivity syndrome; Androgen insensitivity, complete; Androgen insensitivity syndrome due to coactivator deficiency. Identifiers: Orphanet 754, Orphanet 99429, MedGen C0039585, MONDO:0019154, OMIM 300068. Disease mechanism: loss of function.

Submissions (2):

Labcorp Genetics (formerly Invitae), Labcorp
Classification: Pathogenic for Kennedy disease; Androgen resistance syndrome. Last evaluated: 2024-08-30. Review status: criteria provided, single submitter. Criteria: Invitae Variant Classification Sherloc (09022015). Collection method: clinical testing. Allele origin: germline.
Comment: This sequence change replaces alanine, which is neutral and non-polar, with valine, which is neutral and non-polar, at codon 688 of the AR protein (p.Ala688Val). This variant is not present in population databases (gnomAD no frequency). This missense change has been observed in individual(s) with partial androgen insensitivity syndrome (PMID: 8723113; internal data). In at least one individual the variant was observed to be de novo. This variant is also known as Ala687Val. Invitae Evidence Modeling of protein sequence and biophysical properties (such as structural, functional, and spatial information, amino acid conservation, physicochemical variation, residue mobility, and thermodynamic stability) has been performed for this missense variant. However, the output from this modeling did not meet the statistical confidence thresholds required to predict the impact of this variant on AR protein function. This variant disrupts the p.Ala688 amino acid residue in AR. Other variant(s) that disrupt this residue have been observed in individuals with AR-related conditions (PMID: 8723113, 22334387), which suggests that this may be a clinically significant amino acid residue. For these reasons, this variant has been classified as Pathogenic.

GeneDx
Classification: Likely pathogenic. Last evaluated: 2024-03-20. Review status: criteria provided, single submitter. Criteria: GeneDx Variant Classification Process June 2021. Collection method: clinical testing. Allele origin: germline. Affected: yes.
Comment: Missense variants in this gene are a common cause of disease and they are underrepresented in the general population; In silico analysis supports that this missense variant has a deleterious effect on protein structure/function; Not observed at significant frequency in large population cohorts (gnomAD); This variant is associated with the following publications: (PMID: 8723113)

Literature cited by the submitters: PubMed 8723113 (cited by Labcorp Genetics (formerly Invitae), Labcorp); PubMed 22334387 (cited by Labcorp Genetics (formerly Invitae), Labcorp).